The following is an entry in ClinVar:

NM_014049.5(ACAD9):c.1564-55A>G

Genes: ACAD9 (acyl-CoA dehydrogenase family member 9; plus strand), CFAP92 (cilia and flagella associated protein 92 (putative); minus strand). Cytogenetic location: 3q21.3.
Variant type: single nucleotide variant.
Coding change: c.1564-55A>G on transcript NM_014049.5 (MANE Select); 55 bases into the intron before coding-DNA position 1564, A replaced by G.
Molecular consequence: intron variant. On other transcripts: 3 prime UTR variant (3).
Genome position (GRCh38, 1-based): chr3:128,909,966, A>G. VCF-style: chr3-128909966-A-G. GRCh37 (hg19) VCF-style: chr3-128628809-A-G.
Other names: c.*333T>C (NM_001348520.2, NM_001348521.2, NM_001394090.1); c.1195-55A>G (NM_001410805.1).
Identifiers: ClinVar variation 676562 (VCV000676562.3), dbSNP rs6797917, ClinGen allele CA15246733.

ClinVar aggregate classification (germline): Benign. Review status: criteria provided, multiple submitters, no conflicts (2 of 4 stars). 2 submissions from 2 submitters: Benign (2). Last evaluated 2018-06-14.

Allele frequency attached by ClinVar (database versions not stated): gnomAD 0.04657 and 0.04826; TOPMed 0.04814; 1000 Genomes Project 0.07688; 1000 Genomes Project 30x 0.07808.
gnomAD v4.1: 37,306 of 1,603,790 alleles (2.3%); highest among the groups gnomAD compares: African/African-American, 12%; 1,381 homozygotes.

Submissions (2):

GeneDx
Classification: Benign. Last evaluated: 2018-06-14. Review status: criteria provided, single submitter. Criteria: GeneDx Variant Classification (06012015). Collection method: clinical testing. Allele origin: germline. Affected: yes.
Comment: This variant is considered likely benign or benign based on one or more of the following criteria: it is a conservative change, it occurs at a poorly conserved position in the protein, it is predicted to be benign by multiple in silico algorithms, and/or has population frequency not consistent with disease.

Breakthrough Genomics
Classification: Benign. Review status: criteria provided, single submitter. Criteria: ACMG Guidelines, 2015. Collection method: not provided. Allele origin: germline. Inheritance: Autosomal recessive inheritance. Affected: yes.